The following is an entry in ClinVar:

ClinVar aggregate classification (germline): Benign/Likely benign. Review status: criteria provided, multiple submitters, no conflicts (2 of 4 stars). 5 submissions from 5 submitters: Benign (2); Likely benign (2). 1 of the submissions does not count toward it. Last evaluated 2026-02-02.

Conditions:
Age related macular degeneration 1 (ARMD1). Also called: MACULOPATHY, AGE-RELATED, 1. Identifiers: MedGen C1864205, MONDO:0011285, OMIM 603075.

Allele frequency attached by ClinVar (database versions not stated): ExAC 0.00582; gnomAD exomes 0.00590 and 0.00747; ESP Exome Variant Server 0.00646; 1000 Genomes Project 0.00140; 1000 Genomes Project 30x 0.00141; TOPMed 0.00448; gnomAD 0.00543 and 0.00550.
gnomAD v4.1: 11,736 of 1,613,750 alleles (0.73%); highest among the groups gnomAD compares: Non-Finnish European, 0.85%; 53 homozygotes.

Submissions (5):

Labcorp Genetics (formerly Invitae), Labcorp
Classification: Benign. Last evaluated: 2026-02-02. Review status: criteria provided, single submitter. Criteria: Invitae Variant Classification Sherloc (09022015). Collection method: clinical testing. Allele origin: germline.

Genome-Nilou Lab
Classification: Likely benign for Age related macular degeneration 1. Last evaluated: 2023-04-11. Review status: criteria provided, single submitter. Criteria: ACMG Guidelines, 2015. Collection method: clinical testing. Allele origin: germline. Affected: no.

Illumina Laboratory Services, Illumina
Classification: Likely benign for Age related macular degeneration 1. Last evaluated: 2018-01-12. Review status: criteria provided, single submitter. Criteria: ICSL Variant Classification Criteria 13 December 2019. Collection method: clinical testing. Allele origin: germline.
Comment: This variant was observed in the ICSL laboratory as part of a predisposition screen in an ostensibly healthy population. It had not been previously curated by ICSL or reported in the Human Gene Mutation Database (HGMD: prior to June 1st, 2018), and was therefore a candidate for classification through an automated scoring system. Utilizing variant allele frequency, disease prevalence and penetrance estimates, and inheritance mode, an automated score was calculated to assess if this variant is too frequent to cause the disease. Based on the score and internal cut-off values, a variant classified as likely benign is not then subjected to further curation. The score for this variant resulted in a classification of likely benign for this disease.

Eurofins Ntd Llc (ga)
Classification: Benign. Last evaluated: 2013-09-23. Review status: criteria provided, single submitter. Criteria: EGL Classification Definitions 2015. Collection method: clinical testing. Allele origin: germline. Observed: 2 variant alleles, 2 heterozygotes.

NEI Ophthalmic Genomics Laboratory, National Institutes of Health
No classification provided. Review status: no classification provided. Collection method: not provided. Allele origin: not provided. Not counted in ClinVar's aggregate classification.

NM_031935.3(HMCN1):c.4586A>G (p.Asn1529Ser)

Gene: HMCN1 (hemicentin 1; plus strand). Cytogenetic location: 1q31.1.
Variant type: single nucleotide variant.
Coding change: c.4586A>G on transcript NM_031935.3 (MANE Select); coding-DNA position 4586, A replaced by G.
Protein change: p.Asn1529Ser; replaces asparagine 1529 with serine.
Molecular consequence: missense variant.
Genome position (GRCh38, 1-based): chr1:186,007,238, A>G. VCF-style: chr1-186007238-A-G. GRCh37 (hg19) VCF-style: chr1-185976370-A-G.
Other names: short protein forms N1529S.
Identifiers: ClinVar variation 96207 (VCV000096207.19), dbSNP rs41317471, ClinGen allele CA149360.
Genomic context (GRCh38, chr1:186,007,238, plus strand): 5'-TCTTACATTTAAAGAATGCACGGAGAAATGACAAGGGGCGCTACCAATGTACTGTGTCTA[A>G]TGCAGCTGGCAAACAAGCCAAGGATATAAAACTGACTATCTATAGTAAGTGCGATTGTCT-3'
Protein context (NP_114141.2, residues 1519-1539): DKGRYQCTVS[Asn1529Ser]AAGKQAKDIK